The following is an entry in ClinVar:

ClinVar aggregate classification (germline): Uncertain significance (1 of 4 stars; one submission).

gnomAD v4.1: 7 of 1,545,604 alleles (0.00045%); highest among the groups gnomAD compares: Non-Finnish European, 0.00061%; no homozygotes.

Submission:

Labcorp Genetics (formerly Invitae), Labcorp
Classification: Uncertain significance. Last evaluated: 2022-03-12. Review status: criteria provided, single submitter. Criteria: Invitae Variant Classification Sherloc (09022015). Collection method: clinical testing. Allele origin: germline.
Comment: In summary, the available evidence is currently insufficient to determine the role of this variant in disease. Therefore, it has been classified as a Variant of Uncertain Significance. Algorithms developed to predict the effect of missense changes on protein structure and function are either unavailable or do not agree on the potential impact of this missense change (SIFT: "Not Available"; PolyPhen-2: "Benign"; Align-GVGD: "Not Available"). This variant has not been reported in the literature in individuals affected with CDH3-related conditions. This variant is not present in population databases (gnomAD no frequency). This sequence change replaces glycine, which is neutral and non-polar, with aspartic acid, which is acidic and polar, at codon 42 of the CDH3 protein (p.Gly42Asp).

NM_001793.6(CDH3):c.125G>A (p.Gly42Asp)

Genes: CDH3 (cadherin 3; plus strand), CDH3-AS1 (CDH3 antisense RNA 1; minus strand). Cytogenetic location: 16q22.1.
Variant type: single nucleotide variant.
Coding change: c.125G>A on transcript NM_001793.6 (MANE Select); coding-DNA position 125, G replaced by A.
Protein change: p.Gly42Asp; replaces glycine 42 with aspartic acid.
Molecular consequence: missense variant. On other transcripts: intron variant (1).
Genome position (GRCh38, 1-based): chr16:68,645,715, G>A. VCF-style: chr16-68645715-G-A. GRCh37 (hg19) VCF-style: chr16-68679618-G-A.
Other names: c.125G>A, p.Gly42Asp (NM_001317195.3); c.-6+291G>A (NM_001317196.2); short protein forms G42D.
Identifiers: ClinVar variation 2109610 (VCV002109610.4), dbSNP rs1040982534, ClinGen allele CA283297270.